The following is an entry in ClinVar:

NM_005529.7(HSPG2):c.4519A>G (p.Ser1507Gly)

Gene: HSPG2 (heparan sulfate proteoglycan 2; minus strand). Cytogenetic location: 1p36.12.
Variant type: single nucleotide variant.
Coding change: c.4519A>G on transcript NM_005529.7 (MANE Select); coding-DNA position 4519, A replaced by G.
Protein change: p.Ser1507Gly; replaces serine 1507 with glycine.
Molecular consequence: missense variant.
Genome position (GRCh38, 1-based): chr1:21,864,950, T>C on the plus strand (A>G on the coding strand, the complement: HSPG2 is on the minus strand). VCF-style: chr1-21864950-T-C. GRCh37 (hg19) VCF-style: chr1-22191443-T-C.
Other names: c.4522A>G, p.Ser1508Gly (NM_001291860.2); short protein forms S1507G, S1508G.
Identifiers: ClinVar variation 2633724 (VCV002633724.1), dbSNP rs557789671, ClinGen allele CA19135203.

ClinVar aggregate classification (germline): Uncertain significance (1 of 4 stars; one submission).

Conditions:
HSPG2-related disorder. Also called: HSPG2-related condition; HSPG2-related disorders.

gnomAD v4.1: 4 of 1,605,192 alleles (0.00025%); highest among the groups gnomAD compares: African/African-American, 0.0027%; no homozygotes.

Submission:

PreventionGenetics, part of Exact Sciences
Classification: Uncertain significance for HSPG2-related condition. Last evaluated: 2023-07-16. Review status: criteria provided, single submitter. Criteria: ACMG Guidelines, 2015. Collection method: clinical testing. Allele origin: germline.
Comment: The HSPG2 c.4519A>G variant is predicted to result in the amino acid substitution p.Ser1507Gly. To our knowledge, this variant has not been reported in the literature or in a large population database, indicating this variant is rare. At this time, the clinical significance of this variant is uncertain due to the absence of conclusive functional and genetic evidence.